The following is an entry in ClinVar:

ClinVar aggregate classification (germline): Uncertain significance (1 of 4 stars; one submission).

Submission:

GeneDx
Classification: Uncertain significance. Last evaluated: 2019-10-02. Review status: criteria provided, single submitter. Criteria: GeneDx Variant Classification Process June 2021. Collection method: clinical testing. Allele origin: germline. Affected: yes.
Comment: Not observed in large population cohorts (Lek et al., 2016); In silico analysis, which includes protein predictors and evolutionary conservation, supports a deleterious effect; Has not been previously published as pathogenic or benign to our knowledge; Variants in candidate genes are classified as variants of uncertain significance in accordance with ACMG guidelines (Richards et al., 2015)

NM_015557.3(CHD5):c.1331A>T (p.Asn444Ile)

Gene: CHD5 (chromodomain helicase DNA binding protein 5; minus strand). Cytogenetic location: 1p36.31.
Variant type: single nucleotide variant.
Coding change: c.1331A>T on transcript NM_015557.3 (MANE Select); coding-DNA position 1331, A replaced by T.
Protein change: p.Asn444Ile; replaces asparagine 444 with isoleucine.
Molecular consequence: missense variant.
Genome position (GRCh38, 1-based): chr1:6,148,906, T>A on the plus strand (A>T on the coding strand, the complement: CHD5 is on the minus strand). VCF-style: chr1-6148906-T-A. GRCh37 (hg19) VCF-style: chr1-6208966-T-A.
Other names: short protein forms N444I.
Identifiers: ClinVar variation 1308760 (VCV001308760.2), dbSNP rs200120769, ClinGen allele CA338084945.